The following is an entry in ClinVar:

ClinVar aggregate classification (germline): Uncertain significance. Review status: criteria provided, multiple submitters, no conflicts (2 of 4 stars). 3 submissions from 3 submitters: Uncertain significance (3). Last evaluated 2024-12-17.

Conditions:
Sitosterolemia (STSL). Also called: PHYTOSTEROLEMIA. Identifiers: Orphanet 2882, MedGen C0342907, MONDO:0008863.
Cardiovascular phenotype. Identifiers: MedGen CN230736.

Allele frequency attached by ClinVar (database versions not stated): TOPMed 0.00001; gnomAD 0.00001; gnomAD exomes 0.00002.
gnomAD v4.1: 34 of 1,613,730 alleles (0.0021%); highest among the groups gnomAD compares: Non-Finnish European, 0.0027%; no homozygotes.

Submissions (3):

Labcorp Genetics (formerly Invitae), Labcorp
Classification: Uncertain significance for Sitosterolemia. Last evaluated: 2024-12-17. Review status: criteria provided, single submitter. Criteria: Invitae Variant Classification Sherloc (09022015). Collection method: clinical testing. Allele origin: germline.
Comment: This sequence change replaces proline, which is neutral and non-polar, with serine, which is neutral and polar, at codon 443 of the ABCG5 protein (p.Pro443Ser). This variant is not present in population databases (gnomAD no frequency). This variant has not been reported in the literature in individuals affected with ABCG5-related conditions. ClinVar contains an entry for this variant (Variation ID: 3227756). An algorithm developed to predict the effect of missense changes on protein structure and function (PolyPhen-2) suggests that this variant is likely to be disruptive. In summary, the available evidence is currently insufficient to determine the role of this variant in disease. Therefore, it has been classified as a Variant of Uncertain Significance.

Mayo Clinic Laboratories, Mayo Clinic
Classification: Uncertain significance. Last evaluated: 2024-08-08. Review status: criteria provided, single submitter. Criteria: ACMG Guidelines, 2015. Collection method: clinical testing. Allele origin: germline. Observed: 1 variant allele.
Comment: PM2

Ambry Genetics
Classification: Uncertain significance for Cardiovascular phenotype. Last evaluated: 2024-02-25. Review status: criteria provided, single submitter. Criteria: Ambry Variant Classification Scheme 2023. Collection method: clinical testing. Allele origin: germline.
Comment: The p.P443S variant (also known as c.1327C>T), located in coding exon 10 of the ABCG5 gene, results from a C to T substitution at nucleotide position 1327. The proline at codon 443 is replaced by serine, an amino acid with similar properties. This amino acid position is conserved. In addition, the in silico prediction for this alteration is inconclusive. Based on the available evidence, the clinical significance of this alteration remains unclear.

NM_022436.3(ABCG5):c.1327C>T (p.Pro443Ser)

Genes: ABCG5 (ATP binding cassette subfamily G member 5; minus strand), DYNC2LI1 (dynein cytoplasmic 2 light intermediate chain 1; plus strand). Cytogenetic location: 2p21.
Variant type: single nucleotide variant.
Coding change: c.1327C>T on transcript NM_022436.3 (MANE Select); coding-DNA position 1327, C replaced by T.
Protein change: p.Pro443Ser; replaces proline 443 with serine.
Molecular consequence: missense variant. On other transcripts: intron variant (2).
Genome position (GRCh38, 1-based): chr2:43,822,933, G>A on the plus strand (C>T on the coding strand, the complement: ABCG5 is on the minus strand). VCF-style: chr2-43822933-G-A. GRCh37 (hg19) VCF-style: chr2-44050072-G-A.
Other names: p.Pro443Ser; c.*16-4453G>A (NM_001348913.2, NM_001348912.2); short protein forms P443S.
Identifiers: ClinVar variation 3227756 (VCV003227756.4), dbSNP rs941990198, ClinGen allele CA46461531.